The following is an entry in ClinVar:

ClinVar aggregate classification (germline): Conflicting classifications of pathogenicity. Review status: criteria provided, conflicting classifications (1 of 4 stars). 3 submissions from 2 submitters: Uncertain significance (1); Benign (1); Likely benign (1). Last evaluated 2025-10-07.

Conditions:
Brachydactyly type B1 (BDB1). Identifiers: Orphanet 572385, Orphanet 93383, MedGen C1862112, MONDO:0007220, OMIM 113000.
Autosomal recessive Robinow syndrome (RRS1). Also called: COSTOVERTEBRAL SEGMENTATION DEFECT WITH MESOMELIA; COVESDEM SYNDROME; ROR2-Related Robinow Syndrome; ROBINOW SYNDROME, AUTOSOMAL RECESSIVE 1. Identifiers: Orphanet 1507, Orphanet 97360, MedGen C5399974, MONDO:0009999, OMIM 268310.

Allele frequency attached by ClinVar (database versions not stated): gnomAD 0.00004 and 0.00009; TOPMed 0.00004; gnomAD exomes 0.00011 and 0.00015; ExAC 0.00012; 1000 Genomes Project 0.00040; 1000 Genomes Project 30x 0.00047.
gnomAD v4.1: 229 of 1,607,112 alleles (0.014%); highest among the groups gnomAD compares: East Asian, 0.42%; no homozygotes.

Submissions (3):

Labcorp Genetics (formerly Invitae), Labcorp
Classification: Likely benign. Last evaluated: 2025-10-07. Review status: criteria provided, single submitter. Criteria: Invitae Variant Classification Sherloc (09022015). Collection method: clinical testing. Allele origin: germline.

Illumina Laboratory Services, Illumina
Classification: Benign for Brachydactyly type B1. Last evaluated: 2018-01-12. Review status: criteria provided, single submitter. Criteria: ICSL Variant Classification Criteria 13 December 2019. Collection method: clinical testing. Allele origin: germline.
Comment: This variant was observed in the ICSL laboratory as part of a predisposition screen in an ostensibly healthy population. It had not been previously curated by ICSL or reported in the Human Gene Mutation Database (HGMD: prior to June 1st, 2018), and was therefore a candidate for classification through an automated scoring system. Utilizing variant allele frequency, disease prevalence and penetrance estimates, and inheritance mode, an automated score was calculated to assess if this variant is too frequent to cause the disease. Based on the score and internal cut-off values, a variant classified as benign is not then subjected to further curation. The score for this variant resulted in a classification of benign for this disease.

Illumina Laboratory Services, Illumina
Classification: Uncertain significance for Autosomal recessive Robinow syndrome. Last evaluated: 2018-01-12. Review status: criteria provided, single submitter. Criteria: ICSL Variant Classification Criteria 13 December 2019. Collection method: clinical testing. Allele origin: germline.

NM_004560.4(ROR2):c.1596A>G (p.Gln532=)

Gene: ROR2 (receptor tyrosine kinase like orphan receptor 2; minus strand). Cytogenetic location: 9q22.31.
Variant type: single nucleotide variant.
Coding change: c.1596A>G on transcript NM_004560.4 (MANE Select); coding-DNA position 1596, A replaced by G.
Protein change: p.Gln532=; no amino-acid change (glutamine 532 retained).
Molecular consequence: synonymous variant.
Genome position (GRCh38, 1-based): chr9:91,724,898, T>C on the plus strand (A>G on the coding strand, the complement: ROR2 is on the minus strand). VCF-style: chr9-91724898-T-C. GRCh37 (hg19) VCF-style: chr9-94487180-T-C.
Identifiers: ClinVar variation 913252 (VCV000913252.11), dbSNP rs528393492, ClinGen allele CA5120638.
Genomic context (GRCh38, chr9:91,724,898, plus strand): 5'-GATCATGCTCAGGGGCTGGTCCTTGGTCACCACGCCCAGCAGGCAGACGACGTTGGGGTG[T>C]TGCAGCCGTGCTCGCAGCATAGCCTCATGCCGGAACTCCTCCCGCAGGGGCCCCTCCGCT-3'
Protein context (NP_004551.2, residues 522-542): RHEAMLRARL[Gln532=]HPNVVCLLGV